The following is an entry in ClinVar:

ClinVar aggregate classification (germline): Likely benign (0 of 4 stars; one submission).

Conditions:
DNAH11-related disorder. Also called: DNAH11-related condition.

Submission:

PreventionGenetics, part of Exact Sciences
Classification: Likely benign for DNAH11-related condition. Last evaluated: 2024-05-31. Review status: no assertion criteria provided. Collection method: clinical testing. Allele origin: germline.
Comment: This variant is classified as likely benign based on ACMG/AMP sequence variant interpretation guidelines (Richards et al. 2015 PMID: 25741868, with internal and published modifications).

NM_001277115.2(DNAH11):c.7267-825G>T

Gene: DNAH11 (dynein axonemal heavy chain 11; plus strand). Cytogenetic location: 7p15.3.
Variant type: single nucleotide variant.
Coding change: c.7267-825G>T on transcript NM_001277115.2 (MANE Select); 825 bases into the intron before coding-DNA position 7267, G replaced by T.
Molecular consequence: intron variant.
Genome position (GRCh38, 1-based): chr7:21,724,986, G>T. VCF-style: chr7-21724986-G-T. GRCh37 (hg19) VCF-style: chr7-21764604-G-T.
Identifiers: ClinVar variation 3345436 (VCV003345436.1).
Genomic context (GRCh38, chr7:21,724,986, plus strand): 5'-TCATCCTGTGGACATGGGCATCACTGGGACAGGTCATCCTGTAGACATGGGCATCACTGG[G>T]CCAGGTCATCCTGTGGATATAGAAGGGTTTTTCTAGTTGTTGCTCACAGTTGTCCTTTTC-3'